The following is an entry in ClinVar:

NM_000436.4(OXCT1):c.424G>C (p.Ala142Pro)

Gene: OXCT1 (3-oxoacid CoA-transferase 1; minus strand). Cytogenetic location: 5p13.1.
Variant type: single nucleotide variant.
Coding change: c.424G>C on transcript NM_000436.4 (MANE Select); coding-DNA position 424, G replaced by C.
Protein change: p.Ala142Pro; replaces alanine 142 with proline.
Molecular consequence: missense variant. On other transcripts: non-coding transcript variant (1).
Genome position (GRCh38, 1-based): chr5:41,850,170, C>G on the plus strand (G>C on the coding strand, the complement: OXCT1 is on the minus strand). VCF-style: chr5-41850170-C-G. GRCh37 (hg19) VCF-style: chr5-41850272-C-G.
Other names: c.445G>C, p.Ala149Pro (NM_001364299.2, NM_001364300.2); c.424G>C, p.Ala142Pro (NM_001364301.2, NM_001364302.2); short protein forms A142P, A149P.
Identifiers: ClinVar variation 631482 (VCV000631482.1), dbSNP rs1561128268, ClinGen allele CA359628753.

ClinVar aggregate classification (germline): Likely pathogenic (0 of 4 stars; one submission).

Conditions:
Succinyl-CoA acetoacetate transferase deficiency (SCOTD). Also called: 3-Oxoacid CoA Transferase Deficiency; KETOACIDOSIS DUE TO SCOT DEFICIENCY; Succinyl CoA:3-oxoacid CoA transferase deficiency; SCOT DEFICIENCY; SUCCINYL-CoA:3-KETOACID CoA-TRANSFERASE DEFICIENCY. Identifiers: Orphanet 832, MedGen C0342792, MONDO:0009492, OMIM 245050.

Submission:

Pediatric Metabolic Diseases, Hacettepe University
Classification: Likely pathogenic for Succinyl-CoA acetoacetate transferase deficiency. Review status: no assertion criteria provided. Collection method: clinical testing. Allele origin: inherited. Inheritance: Autosomal recessive inheritance. Affected: yes. Observed: 1 homozygote.

Literature cited by the submitters: PubMed 31216074.